The following is an entry in ClinVar:

ClinVar aggregate classification (germline): Uncertain significance (1 of 4 stars; one submission).

Conditions:
Cardiovascular phenotype. Identifiers: MedGen CN230736.

Submission:

Ambry Genetics
Classification: Uncertain significance for Cardiovascular phenotype. Last evaluated: 2023-12-29. Review status: criteria provided, single submitter. Criteria: Ambry Variant Classification Scheme 2023. Collection method: clinical testing. Allele origin: germline.
Comment: The p.G2251D variant (also known as c.6752G>A), located in coding exon 18 of the TNXB gene, results from a G to A substitution at nucleotide position 6752. The glycine at codon 2251 is replaced by aspartic acid, an amino acid with similar properties. This amino acid position is conserved. In addition, this alteration is predicted to be tolerated by in silico analysis. Since supporting evidence is limited at this time, the clinical significance of this alteration remains unclear.

NM_001365276.2(TNXB):c.6752G>A (p.Gly2251Asp)

Gene: TNXB (tenascin XB; minus strand). Cytogenetic location: 6p21.33.
Variant type: single nucleotide variant.
Coding change: c.6752G>A on transcript NM_001365276.2 (MANE Select); coding-DNA position 6752, G replaced by A.
Protein change: p.Gly2251Asp; replaces glycine 2251 with aspartic acid.
Molecular consequence: missense variant.
Genome position (GRCh38, 1-based): chr6:32,064,910, C>T on the plus strand (G>A on the coding strand, the complement: TNXB is on the minus strand). VCF-style: chr6-32064910-C-T. GRCh37 (hg19) VCF-style: chr6-32032687-C-T.
Other names: c.7493G>A, p.Gly2498Asp (NM_001428335.1); c.6752G>A, p.Gly2251Asp (NM_019105.8); short protein forms G2251D, G2498D.
Identifiers: ClinVar variation 3227308 (VCV003227308.1), dbSNP rs2483537047, ClinGen allele CA363555196.